The following is an entry in ClinVar:

ClinVar aggregate classification (germline): Uncertain significance (1 of 4 stars; one submission).

Conditions:
Joubert syndrome. Also called: CEREBELLOPARENCHYMAL DISORDER IV; JOUBERT-BOLTSHAUSER SYNDROME; Familial aplasia of the vermis. Identifiers: Orphanet 475, MedGen C5979921, MONDO:0018772.
Meckel-Gruber syndrome. Also called: DYSENCEPHALIA SPLANCHNOCYSTICA; GRUBER SYNDROME; Dysencephalia splachnocystica. Identifiers: Orphanet 564, MedGen C0265215, MONDO:0018921.

Submission:

Labcorp Genetics (formerly Invitae), Labcorp
Classification: Uncertain significance for Joubert syndrome; Meckel-Gruber syndrome. Last evaluated: 2021-08-13. Review status: criteria provided, single submitter. Criteria: Invitae Variant Classification Sherloc (09022015). Collection method: clinical testing. Allele origin: germline.
Comment: This sequence change replaces proline with leucine at codon 1016 of the RPGRIP1L protein (p.Pro1016Leu). The proline residue is weakly conserved and there is a moderate physicochemical difference between proline and leucine. This variant is not present in population databases (ExAC no frequency). This variant has not been reported in the literature in individuals affected with RPGRIP1L-related conditions. Algorithms developed to predict the effect of missense changes on protein structure and function (SIFT, PolyPhen-2, Align-GVGD) all suggest that this variant is likely to be tolerated. In summary, the available evidence is currently insufficient to determine the role of this variant in disease. Therefore, it has been classified as a Variant of Uncertain Significance.

NM_015272.5(RPGRIP1L):c.3047C>T (p.Pro1016Leu)

Gene: RPGRIP1L (RPGRIP1 like; minus strand). Cytogenetic location: 16q12.2.
Variant type: single nucleotide variant.
Coding change: c.3047C>T on transcript NM_015272.5 (MANE Select); coding-DNA position 3047, C replaced by T.
Protein change: p.Pro1016Leu; replaces proline 1016 with leucine.
Molecular consequence: missense variant. On other transcripts: intron variant (2).
Genome position (GRCh38, 1-based): chr16:53,638,323, G>A on the plus strand (C>T on the coding strand, the complement: RPGRIP1L is on the minus strand). VCF-style: chr16-53638323-G-A. GRCh37 (hg19) VCF-style: chr16-53672235-G-A.
Other names: c.3047C>T, p.Pro1016Leu (NM_001308334.3); c.2959-469C>T (NM_001127897.4, NM_001330538.2); short protein forms P1016L.
Identifiers: ClinVar variation 1412245 (VCV001412245.5), dbSNP rs2151040012, ClinGen allele CA395926518.
Genomic context (GRCh38, chr16:53,638,323, plus strand): 5'-AAGAACCAAATTAAACCTTCCAAAATAATTTTAACACAAATGCATACCTTGGGAACATGT[G>A]GAACAGTCAGCATATTAATTTCTATTTCTGGTATATGCTCTACCTCTGGTGAAATTTCCT-3'
Protein context (NP_056087.2, residues 1006-1026): PEIEINMLTV[Pro1016Leu]HVPKVSQEGS